The following is an entry in ClinVar:

ClinVar aggregate classification (germline): Uncertain significance (1 of 4 stars; one submission).

gnomAD v4.1: 4 of 1,613,900 alleles (0.00025%); highest among the groups gnomAD compares: Non-Finnish European, 0.00034%; no homozygotes.

Submission:

Labcorp Genetics (formerly Invitae), Labcorp
Classification: Uncertain significance. Last evaluated: 2025-05-11. Review status: criteria provided, single submitter. Criteria: Invitae Variant Classification Sherloc (09022015). Collection method: clinical testing. Allele origin: germline.
Comment: This sequence change replaces aspartic acid, which is acidic and polar, with glycine, which is neutral and non-polar, at codon 1289 of the NSD1 protein (p.Asp1289Gly). This variant is not present in population databases (gnomAD no frequency). This variant has not been reported in the literature in individuals affected with NSD1-related conditions. Invitae Evidence Modeling of protein sequence and biophysical properties (such as structural, functional, and spatial information, amino acid conservation, physicochemical variation, residue mobility, and thermodynamic stability) has been performed for this missense variant. However, the output from this modeling did not meet the statistical confidence thresholds required to predict the impact of this variant on NSD1 protein function. In summary, the available evidence is currently insufficient to determine the role of this variant in disease. Therefore, it has been classified as a Variant of Uncertain Significance.

NM_022455.5(NSD1):c.3866A>G (p.Asp1289Gly)

Gene: NSD1 (nuclear receptor binding SET domain protein 1; plus strand). Cytogenetic location: 5q35.3.
Variant type: single nucleotide variant.
Coding change: c.3866A>G on transcript NM_022455.5 (MANE Select); coding-DNA position 3866, A replaced by G.
Protein change: p.Asp1289Gly; replaces aspartic acid 1289 with glycine.
Molecular consequence: missense variant.
Genome position (GRCh38, 1-based): chr5:177,235,890, A>G. VCF-style: chr5-177235890-A-G. GRCh37 (hg19) VCF-style: chr5-176662891-A-G.
Other names: c.2993A>G, p.Asp998Gly (NM_001365684.2, NM_001409306.1, NM_001409307.1 and 3 more transcripts); c.3866A>G, p.Asp1289Gly (NM_001409301.1, NM_001409302.1, NM_001409303.1); c.3446A>G, p.Asp1149Gly (NM_001409304.1); c.3113A>G, p.Asp1038Gly (NM_001409305.1); short protein forms D1149G, D1289G, D1038G, D998G.
Identifiers: ClinVar variation 4770963 (VCV004770963.1).